The following is an entry in ClinVar:

NM_001048174.2(MUTYH):c.607-2A>T

Gene: MUTYH (mutY DNA glycosylase; minus strand). Cytogenetic location: 1p34.1.
Variant type: single nucleotide variant.
Coding change: c.607-2A>T on transcript NM_001048174.2 (MANE Select); the canonical splice acceptor site of the intron before coding-DNA position 607, A replaced by T.
Molecular consequence: splice acceptor variant.
Genome position (GRCh38, 1-based): chr1:45,332,490, T>A on the plus strand (A>T on the coding strand, the complement: MUTYH is on the minus strand). VCF-style: chr1-45332490-T-A. GRCh37 (hg19) VCF-style: chr1-45798162-T-A.
Other names: c.607-2A>T (NM_001407072.1, NM_001407073.1, NM_001048171.2 and 6 more transcripts); c.262-2A>T (NM_001350651.2, NM_001350650.2, NM_001407082.1); c.331-2A>T (NM_001293192.2, NM_001293196.2, NM_001407091.1); c.652-2A>T (NM_001293190.2); c.640-2A>T (NM_001407069.1, NM_001407077.1, NM_001293191.2); c.682-2A>T (NM_012222.3); c.691-2A>T (NM_001128425.2); c.610-2A>T (NM_001407071.1, NM_001048172.2, NM_001407078.1 and 1 more transcripts); and 5 more.
Identifiers: ClinVar variation 1067462 (VCV001067462.7), dbSNP rs1361763237, ClinGen allele CA340135248.

ClinVar aggregate classification (germline): Likely pathogenic (1 of 4 stars; one submission).

Conditions:
Familial adenomatous polyposis 2. Also called: Adenomas, multiple colorectal; MUTYH Polyposis; COLORECTAL ADENOMATOUS POLYPOSIS, AUTOSOMAL RECESSIVE; ADENOMAS, MULTIPLE COLORECTAL, AUTOSOMAL RECESSIVE; FAP type 2; MUTYH-associated polyposis. Identifiers: Orphanet 220460, Orphanet 247798, MedGen C3272841, MONDO:0012041, OMIM 608456.

Submission:

Labcorp Genetics (formerly Invitae), Labcorp
Classification: Likely pathogenic for Familial adenomatous polyposis 2. Last evaluated: 2018-06-19. Review status: criteria provided, single submitter. Criteria: Invitae Variant Classification Sherloc (09022015). Collection method: clinical testing. Allele origin: germline.
Comment: In summary, the currently available evidence indicates that the variant is pathogenic, but additional data are needed to prove that conclusively. Therefore, this variant has been classified as Likely Pathogenic. Donor and acceptor splice site variants typically lead to a loss of protein function (PMID: 16199547), and loss-of-function variants in MUTYH are known to be pathogenic (PMID: 18534194, 20663686). This variant has not been reported in the literature in individuals with MUTYH-related disease. This variant is not present in population databases (ExAC no frequency). This sequence change affects an acceptor splice site in intron 8 of the MUTYH gene. It is expected to disrupt RNA splicing and likely results in an absent or disrupted protein product.

Literature cited by the submitters: PubMed 16199547; PubMed 18534194; PubMed 20663686.